The following is an entry in ClinVar:

NM_002667.5(PLN):c.-98+15T>A

Genes: CEP85L (centrosomal protein 85 like; minus strand), PLN (phospholamban; plus strand). Cytogenetic location: 6q22.31.
Variant type: single nucleotide variant.
Coding change: c.-98+15T>A on transcript NM_002667.5 (MANE Select); 15 bases into the intron after 98 bases upstream of the start codon, T replaced by A.
Molecular consequence: intron variant.
Genome position (GRCh38, 1-based): chr6:118,548,407, T>A. VCF-style: chr6-118548407-T-A. GRCh37 (hg19) VCF-style: chr6-118869570-T-A.
Other names: c.1029+17122A>T (NM_001178035.2); c.1020+17122A>T (NM_001042475.3, NM_206921.3).
Identifiers: ClinVar variation 682277 (VCV000682277.2), dbSNP rs1583023412, ClinGen allele CA915943601.

ClinVar aggregate classification (germline): Likely benign (1 of 4 stars; one submission).

Submission:

GeneDx
Classification: Likely benign. Last evaluated: 2018-04-25. Review status: criteria provided, single submitter. Criteria: GeneDx Variant Classification (06012015). Collection method: clinical testing. Allele origin: germline. Affected: yes.
Comment: This variant is considered likely benign or benign based on one or more of the following criteria: it is a conservative change, it occurs at a poorly conserved position in the protein, it is predicted to be benign by multiple in silico algorithms, and/or has population frequency not consistent with disease.